The following is an entry in ClinVar:

NM_002817.4(PSMD13):c.95+164A>G

Gene: PSMD13 (proteasome 26S subunit, non-ATPase 13; plus strand). Cytogenetic location: 11p15.5.
Variant type: single nucleotide variant.
Coding change: c.95+164A>G on transcript NM_002817.4 (MANE Select); 164 bases into the intron after coding-DNA position 95, A replaced by G.
Molecular consequence: intron variant.
Genome position (GRCh38, 1-based): chr11:237,308, A>G. VCF-style: chr11-237308-A-G. GRCh37 (hg19) VCF-style: chr11-237308-A-G.
Other names: c.95+164A>G (NM_175932.3).
Identifiers: ClinVar variation 4980525 (VCV004980525.1).

ClinVar aggregate classification (germline): Likely benign (1 of 4 stars; one submission).

Conditions:
PSMD13-related disorder. Also called: PSMD13-related condition.

gnomAD v4.1: 17 of 152,236 alleles (0.011%); highest among the groups gnomAD compares: East Asian, 0.27%; no homozygotes.

Submission:

PreventionGenetics, part of Exact Sciences
Classification: Likely benign for PSMD13-related condition. Last evaluated: 2026-05-07. Review status: criteria provided, single submitter. Criteria: ACMG Guidelines, 2015. Collection method: clinical testing. Allele origin: germline.
Comment: This variant is classified as likely benign based on ACMG/AMP sequence variant interpretation guidelines (Richards et al. 2015 PMID: 25741868, with internal and published modifications).